The following is an entry in ClinVar:

ClinVar aggregate classification (germline): Uncertain significance (1 of 4 stars; one submission).

Conditions:
Inborn genetic diseases. Identifiers: MedGen C0950123, MeSH D030342.

gnomAD v4.1: 1 of 1,613,934 alleles (0.000062%); highest among the groups gnomAD compares: Non-Finnish European, 0.000085%; no homozygotes.

Submission:

Ambry Genetics
Classification: Uncertain significance for Inborn genetic diseases. Last evaluated: 2025-05-22. Review status: criteria provided, single submitter. Criteria: Ambry Variant Classification Scheme 2023. Collection method: clinical testing. Allele origin: germline.
Comment: The p.P366S variant (also known as c.1096C>T), located in coding exon 8 of the BMPR2 gene, results from a C to T substitution at nucleotide position 1096. The proline at codon 366 is replaced by serine, an amino acid with similar properties. This amino acid position is conserved. In addition, the in silico prediction for this alteration is inconclusive. Based on the available evidence, the clinical significance of this variant remains unclear.

NM_001204.7(BMPR2):c.1096C>T (p.Pro366Ser)

Gene: BMPR2 (bone morphogenetic protein receptor type 2; plus strand). Cytogenetic location: 2q33.2.
Variant type: single nucleotide variant.
Coding change: c.1096C>T on transcript NM_001204.7 (MANE Select); coding-DNA position 1096, C replaced by T.
Protein change: p.Pro366Ser; replaces proline 366 with serine.
Molecular consequence: missense variant.
Genome position (GRCh38, 1-based): chr2:202,530,922, C>T. VCF-style: chr2-202530922-C-T. GRCh37 (hg19) VCF-style: chr2-203395645-C-T.
Other names: short protein forms P366S.
Identifiers: ClinVar variation 3992194 (VCV003992194.1).